The following is an entry in ClinVar:

NM_001143981.2(CHRDL1):c.619dup (p.Tyr207fs)

Gene: CHRDL1 (chordin like 1; minus strand). Cytogenetic location: Xq23.
Variant type: Duplication.
Coding change: c.619dup on transcript NM_001143981.2 (MANE Select); coding-DNA position 619, one base duplicated (T; older notation c.619dupT).
Protein change: p.Tyr207fs; shifts the reading frame from tyrosine 207.
Molecular consequence: frameshift variant. On other transcripts: non-coding transcript variant (1).
Genome position (GRCh38, 1-based): chrX:110,694,322, A duplicated on the plus strand (T on the coding strand, the reverse complement: CHRDL1 is on the minus strand); the first of 2 consecutive A bases (chrX:110,694,322-110,694,323); duplicating either gives the same sequence. VCF-style (leftmost placement, unchanged base first): chrX-110694321-T-TA. GRCh37 (hg19) VCF-style: chrX-109937549-T-TA.
Other names: c.616dup, p.Tyr206fs (NM_001143982.2, NM_001367207.1, NM_145234.4); c.379dup, p.Tyr127fs (NM_001143983.3); c.619dup, p.Tyr207fs (NM_001367204.1, NM_001367205.1, NM_001367206.1 and 2 more transcripts); short protein forms Y127fs, Y206fs, Y207fs.
Identifiers: ClinVar variation 5007491 (VCV005007491.2).
Genomic context (GRCh38, chrX:110,694,321, plus strand): 5'-GGAAAGCGGGACAGACCTCCAGCCTGTCGGCTTGGTGGAGGATCATAGTGAGAGCGGTGG[T>TA]AAGAATGTCTCTGTAAAATAACAAGAACAAATTTAGTCCAAAAGCCACCAATGAGATCAC-3'

ClinVar aggregate classification (germline): Likely pathogenic (1 of 4 stars; one submission).

Conditions:
Isolated congenital megalocornea (MGC1). Identifiers: Orphanet 91489, MedGen C4518341, MONDO:0010649, OMIM 309300.

Submission:

Juno Genomics, Hangzhou Juno Genomics, Inc
Classification: Likely pathogenic for Isolated congenital megalocornea. Review status: criteria provided, single submitter. Criteria: ACMG Guidelines, 2015. Collection method: clinical testing. Allele origin: germline.
Comment: Null variant in a gene where loss of function (LOF) is a known mechanism of disease.;Absent from controls (or at extremely low frequency if recessive) in Genome Aggregation Database.